The following is an entry in ClinVar:

NM_000530.8(MPZ):c.29C>T (p.Pro10Leu)

Gene: MPZ (myelin protein zero; minus strand). Cytogenetic location: 1q23.3.
Variant type: single nucleotide variant.
Coding change: c.29C>T on transcript NM_000530.8 (MANE Select); coding-DNA position 29, C replaced by T.
Protein change: p.Pro10Leu; replaces proline 10 with leucine.
Molecular consequence: missense variant.
Genome position (GRCh38, 1-based): chr1:161,309,877, G>A on the plus strand (C>T on the coding strand, the complement: MPZ is on the minus strand). VCF-style: chr1-161309877-G-A. GRCh37 (hg19) VCF-style: chr1-161279667-G-A.
Other names: c.29C>T, p.Pro10Leu (NM_001315491.2); short protein forms P10L.
Identifiers: ClinVar variation 1798634 (VCV001798634.2), dbSNP rs1367546792, ClinGen allele CA343353129.

ClinVar aggregate classification (germline): Uncertain significance (1 of 4 stars; one submission).

Conditions:
Inborn genetic diseases. Identifiers: MedGen C0950123, MeSH D030342.

Allele frequency attached by ClinVar (database versions not stated): gnomAD exomes below 0.00001; gnomAD 0.00001; TOPMed 0.00002.
gnomAD v4.1: 6 of 1,589,660 alleles (0.00038%); highest among the groups gnomAD compares: Non-Finnish European, 0.00051%; no homozygotes.

Submission:

Ambry Genetics
Classification: Uncertain significance for Inborn genetic diseases. Last evaluated: 2019-09-23. Review status: criteria provided, single submitter. Criteria: Ambry Variant Classification Scheme 2023. Collection method: clinical testing. Allele origin: germline.
Comment: The p.P10L variant (also known as c.29C>T), located in coding exon 1 of the MPZ gene, results from a C to T substitution at nucleotide position 29. The proline at codon 10 is replaced by leucine, an amino acid with similar properties. This amino acid position is well conserved in available vertebrate species. In addition, the in silico prediction for this alteration is inconclusive. Since supporting evidence is limited at this time, the clinical significance of this alteration remains unclear.